The following is an entry in ClinVar:

ClinVar aggregate classification (germline): Benign. Review status: criteria provided, multiple submitters, no conflicts (2 of 4 stars). 6 submissions from 6 submitters: Benign (5). 1 of the submissions does not count toward it. Last evaluated 2026-01-21.

Conditions:
SERPINB6-related disorder. Also called: SERPINB6-related condition.

Allele frequency attached by ClinVar (database versions not stated): ESP Exome Variant Server 0.00008; TOPMed 0.00195; 1000 Genomes Project 0.00379; ExAC 0.00335; gnomAD exomes 0.00083 and 0.00408; gnomAD 0.00108 and 0.00115; 1000 Genomes Project 30x 0.00422.

Submissions (6):

Labcorp Genetics (formerly Invitae), Labcorp
Classification: Benign. Last evaluated: 2026-01-21. Review status: criteria provided, single submitter. Criteria: Invitae Variant Classification Sherloc (09022015). Collection method: clinical testing. Allele origin: germline.

Mayo Clinic Laboratories, Mayo Clinic
Classification: Benign. Last evaluated: 2021-03-22. Review status: criteria provided, single submitter. Criteria: ACMG Guidelines, 2015. Collection method: clinical testing. Allele origin: germline. Observed: 1 variant allele.

GeneDx
Classification: Benign. Last evaluated: 2019-01-29. Review status: criteria provided, single submitter. Criteria: GeneDx Variant Classification Process June 2021. Collection method: clinical testing. Allele origin: germline. Affected: yes.

Athena Diagnostics
Classification: Benign. Last evaluated: 2018-08-31. Review status: criteria provided, single submitter. Criteria: Athena Diagnostics Criteria. Collection method: clinical testing. Allele origin: germline.

Laboratory for Molecular Medicine, Mass General Brigham Personalized Medicine
Classification: Benign. Last evaluated: 2012-05-07. Review status: criteria provided, single submitter. Criteria: LMM Criteria. Collection method: clinical testing. Allele origin: germline. Observed: 11 variant alleles.
Comment: Gly153Ser in Exon 06 of SERPINB6: This variant is not expected to have clinical significance because it has been identified in 5.0% (5/100) of chromosomes from a population in the dbSNP database (rs 2295766).

PreventionGenetics, part of Exact Sciences
Classification: Benign for SERPINB6-related condition. Last evaluated: 2019-09-25. Review status: no assertion criteria provided. Collection method: clinical testing. Allele origin: germline. Not counted in ClinVar's aggregate classification.
Comment: This variant is classified as benign based on ACMG/AMP sequence variant interpretation guidelines (Richards et al. 2015 PMID: 25741868, with internal and published modifications).

NM_004568.6(SERPINB6):c.457G>A (p.Gly153Ser)

Gene: SERPINB6 (serpin family B member 6; minus strand). Cytogenetic location: 6p25.2.
Variant type: single nucleotide variant.
Coding change: c.457G>A on transcript NM_004568.6 (MANE Select); coding-DNA position 457, G replaced by A.
Protein change: p.Gly153Ser; replaces glycine 153 with serine.
Molecular consequence: missense variant. On other transcripts: non-coding transcript variant (1).
Genome position (GRCh38, 1-based): chr6:2,953,160, C>T on the plus strand (G>A on the coding strand, the complement: SERPINB6 is on the minus strand). VCF-style: chr6-2953160-C-T. GRCh37 (hg19) VCF-style: chr6-2953394-C-T.
Other names: c.469G>A, p.Gly157Ser (NM_001195291.3, NM_001374515.1); c.499G>A, p.Gly167Ser (NM_001271822.2); c.514G>A, p.Gly172Ser (NM_001271823.2); c.457G>A, p.Gly153Ser (NM_001271824.2, NM_001271825.2, NM_001297699.2 and 2 more transcripts); c.325G>A, p.Gly109Ser (NM_001374517.1); short protein forms G157S, G153S, G167S, G172S, G109S.
Identifiers: ClinVar variation 44134 (VCV000044134.21), dbSNP rs2295766, ClinGen allele CA133645.